The following is an entry in ClinVar:

ClinVar aggregate classification (germline): Uncertain significance (1 of 4 stars; one submission).

Conditions:
Landau-Kleffner syndrome (FESD). Also called: EPILEPSY, FOCAL, WITH SPEECH DISORDER AND WITH OR WITHOUT MENTAL RETARDATION; APHASIA, ACQUIRED, WITH EPILEPSY. Identifiers: Orphanet 1945, Orphanet 725, Orphanet 98818, MedGen C0282512, MONDO:0009509, OMIM 245570.

gnomAD v4.1: 2 of 1,614,166 alleles (0.00012%); highest among the groups gnomAD compares: Non-Finnish European, 0.00017%; no homozygotes.

Submission:

Labcorp Genetics (formerly Invitae), Labcorp
Classification: Uncertain significance for Landau-Kleffner syndrome. Last evaluated: 2024-04-01. Review status: criteria provided, single submitter. Criteria: Invitae Variant Classification Sherloc (09022015). Collection method: clinical testing. Allele origin: germline.
Comment: This sequence change replaces cysteine, which is neutral and slightly polar, with tryptophan, which is neutral and slightly polar, at codon 1214 of the GRIN2A protein (p.Cys1214Trp). This variant is not present in population databases (gnomAD no frequency). This variant has not been reported in the literature in individuals affected with GRIN2A-related conditions. Advanced modeling of protein sequence and biophysical properties (such as structural, functional, and spatial information, amino acid conservation, physicochemical variation, residue mobility, and thermodynamic stability) has been performed at Invitae for this missense variant, however the output from this modeling did not meet the statistical confidence thresholds required to predict the impact of this variant on GRIN2A protein function. In summary, the available evidence is currently insufficient to determine the role of this variant in disease. Therefore, it has been classified as a Variant of Uncertain Significance.

NM_001134407.3(GRIN2A):c.3642C>G (p.Cys1214Trp)

Gene: GRIN2A (glutamate ionotropic receptor NMDA type subunit 2A; minus strand). Cytogenetic location: 16p13.2.
Variant type: single nucleotide variant.
Coding change: c.3642C>G on transcript NM_001134407.3 (MANE Select); coding-DNA position 3642, C replaced by G.
Protein change: p.Cys1214Trp; replaces cysteine 1214 with tryptophan.
Molecular consequence: missense variant.
Genome position (GRCh38, 1-based): chr16:9,763,902, G>C on the plus strand (C>G on the coding strand, the complement: GRIN2A is on the minus strand). VCF-style: chr16-9763902-G-C. GRCh37 (hg19) VCF-style: chr16-9857759-G-C.
Other names: c.3642C>G, p.Cys1214Trp (NM_000833.5, NM_001134408.2); short protein forms C1214W.
Identifiers: ClinVar variation 3700345 (VCV003700345.2).